The following is an entry in ClinVar:

ClinVar aggregate classification (germline): Benign (0 of 4 stars; one submission).

Conditions:
ALPI-related disorder. Also called: ALPI-related condition.

Allele frequency attached by ClinVar (database versions not stated): ExAC 0.00099; 1000 Genomes Project 0.00220; gnomAD 0.00264; 1000 Genomes Project 30x 0.00312; ESP Exome Variant Server 0.00354.

Submission:

PreventionGenetics, part of Exact Sciences
Classification: Benign for ALPI-related condition. Last evaluated: 2019-09-25. Review status: no assertion criteria provided. Collection method: clinical testing. Allele origin: germline.
Comment: This variant is classified as benign based on ACMG/AMP sequence variant interpretation guidelines (Richards et al. 2015 PMID: 25741868, with internal and published modifications).

NM_001631.5(ALPI):c.438T>A (p.Asn146Lys)

Gene: ALPI (alkaline phosphatase, intestinal; plus strand). Cytogenetic location: 2q37.1.
Variant type: single nucleotide variant.
Coding change: c.438T>A on transcript NM_001631.5 (MANE Select); coding-DNA position 438, T replaced by A.
Protein change: p.Asn146Lys; replaces asparagine 146 with lysine.
Molecular consequence: missense variant.
Genome position (GRCh38, 1-based): chr2:232,457,036, T>A. VCF-style: chr2-232457036-T-A. GRCh37 (hg19) VCF-style: chr2-233321746-T-A.
Other names: short protein forms N146K.
Identifiers: ClinVar variation 3040623 (VCV003040623.2), dbSNP rs3111341, ClinGen allele CA2166373.